The following is an entry in ClinVar:

NM_006514.4(SCN10A):c.904C>T (p.Arg302Ter)

Gene: SCN10A (sodium voltage-gated channel alpha subunit 10; minus strand). Cytogenetic location: 3p22.2.
Variant type: single nucleotide variant.
Coding change: c.904C>T on transcript NM_006514.4 (MANE Select); coding-DNA position 904, C replaced by T.
Protein change: p.Arg302Ter; replaces arginine 302 with a stop codon.
Molecular consequence: nonsense.
Genome position (GRCh38, 1-based): chr3:38,760,727, G>A on the plus strand (C>T on the coding strand, the complement: SCN10A is on the minus strand). VCF-style: chr3-38760727-G-A. GRCh37 (hg19) VCF-style: chr3-38802218-G-A.
Other names: c.904C>T, p.Arg302Ter (NM_001293306.2, NM_001293307.2); short protein forms R302*.
Identifiers: ClinVar variation 1765595 (VCV001765595.3), dbSNP rs1168396269, ClinGen allele CA352170930.
Genomic context (GRCh38, chr3:38,760,727, plus strand): 5'-AGTTGGGAACTCACCCTGAGTCAGATCCATTGCCACACAGTAAGGGGTCAGAAGTGCCTC[G>A]CTTATTTATGTAGATATCTGCTGAAGAAAGGAAGAAAAGAAAGCCTCACAGATGGTTCTG-3'

ClinVar aggregate classification (germline): Uncertain significance (1 of 4 stars; one submission).

Conditions:
Cardiovascular phenotype. Identifiers: MedGen CN230736.

Allele frequency attached by ClinVar (database versions not stated): gnomAD exomes below 0.00001; TOPMed 0.00001; gnomAD 0.00002.
gnomAD v4.1: 5 of 1,613,656 alleles (0.00031%); highest among the groups gnomAD compares: African/African-American, 0.0013%; no homozygotes.

Submission:

Ambry Genetics
Classification: Uncertain significance for Cardiovascular phenotype. Last evaluated: 2024-11-21. Review status: criteria provided, single submitter. Criteria: Ambry Variant Classification Scheme 2023. Collection method: clinical testing. Allele origin: germline.
Comment: The p.R302* variant (also known as c.904C>T), located in coding exon 7 of the SCN10A gene, results from a C to T substitution at nucleotide position 904. This changes the amino acid from an arginine to a stop codon within coding exon 7. This alteration is expected to result in premature protein truncation or nonsense-mediated mRNA decay. However, the evidence for this gene-disease relationship is limited; therefore, the clinical significance of this alteration is unclear.